The following is an entry in ClinVar:

NM_004415.4(DSP):c.7111C>A (p.Gln2371Lys)

Gene: DSP (desmoplakin; plus strand). Cytogenetic location: 6p24.3.
Variant type: single nucleotide variant.
Coding change: c.7111C>A on transcript NM_004415.4 (MANE Select); coding-DNA position 7111, C replaced by A.
Protein change: p.Gln2371Lys; replaces glutamine 2371 with lysine.
Molecular consequence: missense variant.
Genome position (GRCh38, 1-based): chr6:7,584,373, C>A. VCF-style: chr6-7584373-C-A. GRCh37 (hg19) VCF-style: chr6-7584606-C-A.
Other names: c.5314C>A, p.Gln1772Lys (NM_001008844.3); c.5782C>A, p.Gln1928Lys (NM_001319034.2); short protein forms Q1772K, Q1928K, Q2371K.
Identifiers: ClinVar variation 4015078 (VCV004015078.1).

ClinVar aggregate classification (germline): Uncertain significance (1 of 4 stars; one submission).

Conditions:
Cardiovascular phenotype. Identifiers: MedGen CN230736.

Submission:

Ambry Genetics
Classification: Uncertain significance for Cardiovascular phenotype. Last evaluated: 2025-05-13. Review status: criteria provided, single submitter. Criteria: Ambry Variant Classification Scheme 2023. Collection method: clinical testing. Allele origin: germline.
Comment: The p.Q2371K variant (also known as c.7111C>A), located in coding exon 24 of the DSP gene, results from a C to A substitution at nucleotide position 7111. The glutamine at codon 2371 is replaced by lysine, an amino acid with similar properties. This variant has been identified in the homozygous state in individual(s) with features consistent with Carvajal syndrome and arrhythmogenic right ventricular cardiomyopathy (ARVC) (Molho-Pessach V et al. Pediatr Dermatol, 2015 Mar;32:641-6; Nagyova E et al. J Cardiovasc Transl Res, 2023 Dec;16:1276-1286). This amino acid position is highly conserved in available vertebrate species. In addition, this alteration is predicted to be deleterious by in silico analysis. Based on the available evidence, the clinical significance of this variant remains unclear.

Literature cited by the submitters: PubMed 25824144; PubMed 37418234.